The following is an entry in ClinVar:

ClinVar aggregate classification (germline): Uncertain significance (1 of 4 stars; one submission).

Allele frequency attached by ClinVar (database versions not stated): ExAC 0.00009.
gnomAD v4.1: 14 of 1,551,590 alleles (0.0009%); highest among the groups gnomAD compares: South Asian, 0.015%; no homozygotes.

Submission:

Labcorp Genetics (formerly Invitae), Labcorp
Classification: Uncertain significance. Last evaluated: 2022-11-22. Review status: criteria provided, single submitter. Criteria: Invitae Variant Classification Sherloc (09022015). Collection method: clinical testing. Allele origin: germline.
Comment: In summary, the available evidence is currently insufficient to determine the role of this variant in disease. Therefore, it has been classified as a Variant of Uncertain Significance. Algorithms developed to predict the effect of missense changes on protein structure and function are either unavailable or do not agree on the potential impact of this missense change (SIFT: "Tolerated"; PolyPhen-2: "Possibly Damaging"; Align-GVGD: "Class C0"). ClinVar contains an entry for this variant (Variation ID: 1490802). This variant has not been reported in the literature in individuals affected with DTHD1-related conditions. This variant is present in population databases (rs748005265, gnomAD 0.02%). This sequence change replaces leucine, which is neutral and non-polar, with arginine, which is basic and polar, at codon 398 of the DTHD1 protein (p.Leu398Arg).

NM_001170700.3(DTHD1):c.2063T>G (p.Leu688Arg)

Gene: DTHD1 (death domain containing 1; plus strand). Cytogenetic location: 4p14.
Variant type: single nucleotide variant.
Coding change: c.2063T>G on transcript NM_001170700.3 (MANE Select); coding-DNA position 2063, T replaced by G.
Protein change: p.Leu688Arg; replaces leucine 688 with arginine.
Molecular consequence: missense variant. On other transcripts: non-coding transcript variant (2).
Genome position (GRCh38, 1-based): chr4:36,308,461, T>G. VCF-style: chr4-36308461-T-G. GRCh37 (hg19) VCF-style: chr4-36310083-T-G.
Other names: c.1193T>G, p.Leu398Arg (NM_001136536.5); c.1130T>G, p.Leu377Arg (NM_001378435.1); short protein forms L377R, L398R, L688R.
Identifiers: ClinVar variation 1490802 (VCV001490802.8), dbSNP rs748005265, ClinGen allele CA2885700.